The following is an entry in ClinVar:

ClinVar aggregate classification (germline): Uncertain significance (1 of 4 stars; one submission).

Submission:

Labcorp Genetics (formerly Invitae), Labcorp
Classification: Uncertain significance. Last evaluated: 2025-11-29. Review status: criteria provided, single submitter. Criteria: Invitae Variant Classification Sherloc (09022015). Collection method: clinical testing. Allele origin: germline.
Comment: This sequence change replaces lysine, which is basic and polar, with asparagine, which is neutral and polar, at codon 273 of the ANGPT1 protein (p.Lys273Asn). This variant is not present in population databases (gnomAD no frequency). This variant has not been reported in the literature in individuals affected with ANGPT1-related conditions. An algorithm developed to predict the effect of missense changes on protein structure and function (PolyPhen-2) suggests that this variant is likely to be tolerated. In summary, the available evidence is currently insufficient to determine the role of this variant in disease. Therefore, it has been classified as a Variant of Uncertain Significance.

NM_001146.5(ANGPT1):c.819G>T (p.Lys273Asn)

Gene: ANGPT1 (angiopoietin 1; minus strand). Cytogenetic location: 8q23.1.
Variant type: single nucleotide variant.
Coding change: c.819G>T on transcript NM_001146.5 (MANE Select); coding-DNA position 819, G replaced by T.
Protein change: p.Lys273Asn; replaces lysine 273 with asparagine.
Molecular consequence: missense variant.
Genome position (GRCh38, 1-based): chr8:107,303,357, C>A on the plus strand (G>T on the coding strand, the complement: ANGPT1 is on the minus strand). VCF-style: chr8-107303357-C-A. GRCh37 (hg19) VCF-style: chr8-108315585-C-A.
Other names: c.816G>T, p.Lys272Asn (NM_001199859.3); c.219G>T, p.Lys73Asn (NM_001314051.2); short protein forms K273N, K73N, K272N.
Identifiers: ClinVar variation 4720710 (VCV004720710.1).
Genomic context (GRCh38, chr8:107,303,357, plus strand): 5'-ACCAGCTTGATATACATCTGCACAGTCTCTAAATGGTTTCTCTTCCTCTCTTTTTCCTCC[C>A]TTTAGTAAAACTGCAAAAAAAAAAAAAAAGATTGCAATATGTGAATATCAGTACCATTAG-3'
Protein context (NP_001137.2, residues 263-283): NLCTKEGVLL[Lys273Asn]GGKREEEKPF